The following is an entry in ClinVar:

NM_006269.2(RP1):c.1961del (p.Gly653_Leu654insTer)

Gene: RP1 (RP1 axonemal microtubule associated; plus strand). Cytogenetic location: 8q12.1.
Variant type: Deletion.
Coding change: c.1961del on transcript NM_006269.2 (MANE Select); coding-DNA position 1961, one base deleted (T; older notation c.1961delT).
Protein change: p.Gly653_Leu654insTer.
Molecular consequence: nonsense. On other transcripts: intron variant (1).
Genome position (GRCh38, 1-based): chr8:54,625,843, T deleted; the last of 3 consecutive T bases (chr8:54,625,841-54,625,843); deleting any one gives the same sequence. VCF-style (leftmost placement, unchanged base first): chr8-54625840-GT-G. GRCh37 (hg19) VCF-style: chr8-55538400-GT-G.
Other names: c.787+3555del (NM_001375654.1).
Identifiers: ClinVar variation 2741787 (VCV002741787.3), dbSNP rs1554519518, ClinGen allele CA370992425.

ClinVar aggregate classification (germline): Pathogenic (1 of 4 stars; one submission).

Submission:

Labcorp Genetics (formerly Invitae), Labcorp
Classification: Pathogenic. Last evaluated: 2023-07-12. Review status: criteria provided, single submitter. Criteria: Invitae Variant Classification Sherloc (09022015). Collection method: clinical testing. Allele origin: germline.
Comment: This sequence change creates a premature translational stop signal (p.Leu654*) in the RP1 gene. While this is not anticipated to result in nonsense mediated decay, it is expected to disrupt the last 1503 amino acid(s) of the RP1 protein. This variant is not present in population databases (gnomAD no frequency). This variant has not been reported in the literature in individuals affected with RP1-related conditions. This variant disrupts the C-terminus of the RP1 protein. Many variants that disrupt this region have been reported in individuals with either autosomal dominant or autosomal recessive retinitis pigmentosa (PMID: 11527933, 19933189, 29425069, 30027431, 33681214). Therefore, variants that disrupt this region are expected to be disease-causing. For these reasons, this variant has been classified as Pathogenic.

Literature cited by the submitters: PubMed 11527933; PubMed 19933189; PubMed 29425069; PubMed 30027431; PubMed 33681214.